The following is an entry in ClinVar:

ClinVar aggregate classification (germline): Uncertain significance (1 of 4 stars; one submission).

Submission:

CeGaT Center for Human Genetics Tuebingen
Classification: Uncertain significance. Last evaluated: 2024-04-01. Review status: criteria provided, single submitter. Criteria: CeGaT Center For Human Genetics Tuebingen Variant Classification Criteria Version 2. Collection method: clinical testing. Allele origin: germline. Affected: yes. Observed: 1 variant allele.
Comment: FASTKD2: PM2, BP4

NM_001136193.2(FASTKD2):c.526G>T (p.Ala176Ser)

Gene: FASTKD2 (FASTK mitochondrial RNA regulator 2; plus strand). Cytogenetic location: 2q33.3.
Variant type: single nucleotide variant.
Coding change: c.526G>T on transcript NM_001136193.2 (MANE Select); coding-DNA position 526, G replaced by T.
Protein change: p.Ala176Ser; replaces alanine 176 with serine.
Molecular consequence: missense variant.
Genome position (GRCh38, 1-based): chr2:206,767,219, G>T. VCF-style: chr2-206767219-G-T. GRCh37 (hg19) VCF-style: chr2-207631943-G-T.
Other names: c.526G>T, p.Ala176Ser (NM_001136194.2, NM_014929.4); short protein forms A176S.
Identifiers: ClinVar variation 3234713 (VCV003234713.20), dbSNP rs2469463429, ClinGen allele CA350071682.